The following is an entry in ClinVar:

ClinVar aggregate classification (germline): Uncertain significance. Review status: criteria provided, multiple submitters, no conflicts (2 of 4 stars). 2 submissions from 2 submitters: Uncertain significance (2). Last evaluated 2026-06-30.

Conditions:
Saldino-Mainzer syndrome (SRTD9). Also called: short-rib thoracic dysplasia 9 with or without polydactyly; SHORT-RIB THORACIC DYSPLASIA 9 WITHOUT POLYDACTYLY; CONORENAL SYNDROME; Renal dysplasia, retinal pigmentary dystrophy, cerebellar ataxia and skeletal dysplasia. Identifiers: Orphanet 140969, MedGen C1849437, MONDO:0009964, OMIM 266920.

Allele frequency attached by ClinVar (database versions not stated): gnomAD exomes 0.00001.
gnomAD v4.1: 9 of 1,613,986 alleles (0.00056%); highest among the groups gnomAD compares: Non-Finnish European, 0.00076%; no homozygotes.

Submissions (2):

GeneDx
Classification: Uncertain significance. Last evaluated: 2026-06-30. Review status: criteria provided, single submitter. Criteria: GeneDx Variant Classification Process June 2021. Collection method: clinical testing. Allele origin: germline.
Comment: Not observed at significant frequency in large population cohorts (gnomAD); In silico analysis supports that this missense variant does not alter protein structure/function; This variant is associated with the following publications: (PMID: 33576794)

Labcorp Genetics (formerly Invitae), Labcorp
Classification: Uncertain significance for Saldino-Mainzer syndrome. Last evaluated: 2025-04-22. Review status: criteria provided, single submitter. Criteria: Invitae Variant Classification Sherloc (09022015). Collection method: clinical testing. Allele origin: germline.
Comment: This sequence change replaces glutamic acid, which is acidic and polar, with lysine, which is basic and polar, at codon 48 of the IFT140 protein (p.Glu48Lys). This variant is not present in population databases (gnomAD no frequency). This missense change has been observed in individuals with retinitis pigmentosa (PMID: 33576794; internal data). ClinVar contains an entry for this variant (Variation ID: 2201377). Invitae Evidence Modeling of protein sequence and biophysical properties (such as structural, functional, and spatial information, amino acid conservation, physicochemical variation, residue mobility, and thermodynamic stability) indicates that this missense variant is not expected to disrupt IFT140 protein function with a negative predictive value of 80%. In summary, the available evidence is currently insufficient to determine the role of this variant in disease. Therefore, it has been classified as a Variant of Uncertain Significance.

Literature cited by the submitters: PubMed 33576794 (cited by Labcorp Genetics (formerly Invitae), Labcorp).

NM_014714.4(IFT140):c.142G>A (p.Glu48Lys)

Genes: IFT140 (intraflagellar transport 140; minus strand), LOC105371046 (uncharacterized LOC105371046; plus strand). Cytogenetic location: 16p13.3.
Variant type: single nucleotide variant.
Coding change: c.142G>A on transcript NM_014714.4 (MANE Select); coding-DNA position 142, G replaced by A.
Protein change: p.Glu48Lys; replaces glutamic acid 48 with lysine.
Molecular consequence: missense variant.
Genome position (GRCh38, 1-based): chr16:1,607,125, C>T on the plus strand (G>A on the coding strand, the complement: IFT140 is on the minus strand). VCF-style: chr16-1607125-C-T. GRCh37 (hg19) VCF-style: chr16-1657126-C-T.
Other names: c.142G>A (NM_014714.3); short protein forms E48K.
Identifiers: ClinVar variation 2201377 (VCV002201377.6), dbSNP rs984306756, ClinGen allele CA276685908.
Genomic context (GRCh38, chr16:1,607,125, plus strand): 5'-AAACAACATGAGCCAGAAGCTACCACAGTCAGGCTCCTTGCTTCTGAGCACTCACTTGCT[C>T]CAGGTAAATATCCACGCTGCCTGTTGAGGTTGTGCTGATGTAAGCAACTGCCAAGAATGG-3'
Protein context (NP_055529.2, residues 38-58): TSTGSVDIYL[Glu48Lys]QGECVPDTHV